The following is an entry in ClinVar:

NM_203446.3(SYNJ1):c.-49A>G

Gene: SYNJ1 (synaptojanin 1; minus strand). Cytogenetic location: 21q22.11.
Variant type: single nucleotide variant.
Coding change: c.-49A>G on transcript NM_203446.3 (MANE Select); 49 bases upstream of the start codon, A replaced by G.
Molecular consequence: 5 prime UTR variant. On other transcripts: synonymous variant (1).
Genome position (GRCh38, 1-based): chr21:32,727,972, T>C on the plus strand (A>G on the coding strand, the complement: SYNJ1 is on the minus strand). VCF-style: chr21-32727972-T-C. GRCh37 (hg19) VCF-style: chr21-34100283-T-C.
Other names: c.69A>G, p.Arg23= (NM_003895.4).
Identifiers: ClinVar variation 765717 (VCV000765717.34), dbSNP rs780877494, ClinGen allele CA10004253.
Genomic context (GRCh38, chr21:32,727,972, plus strand): 5'-GCAGCAGCTCCCCGCCCCCCGCCGGCTTGCTCACCTCTTCCTCCGGCTCCTCCTCCTCCT[T>C]CTCCCGCAGCCGCCGCCACAGCCGCCGGGAGCGTCACTTCCGCTCCAGCAGGCCCATCTC-3'

ClinVar aggregate classification (germline): Likely benign. Review status: criteria provided, multiple submitters, no conflicts (2 of 4 stars). 3 submissions from 3 submitters: Likely benign (3). Last evaluated 2025-12-17.

Conditions:
Developmental and epileptic encephalopathy, 53. Also called: Epileptic encephalopathy, early infantile, 53. Identifiers: MedGen C4479313, MONDO:0033362, OMIM 617389.
Early-onset Parkinson disease 20. Also called: PARKINSON DISEASE 20, AUTOSOMAL RECESSIVE EARLY-ONSET. Identifiers: Orphanet 391411, MedGen C3809824, MONDO:0014233, OMIM 615530.

Allele frequency attached by ClinVar (database versions not stated): gnomAD 0.00002 and 0.00003; gnomAD exomes 0.00002 and 0.00003; TOPMed 0.00003; ExAC 0.00009.
gnomAD v4.1: 48 of 1,533,934 alleles (0.0031%); highest among the groups gnomAD compares: Non-Finnish European, 0.0038%; no homozygotes.

Submissions (3):

Labcorp Genetics (formerly Invitae), Labcorp
Classification: Likely benign for Developmental and epileptic encephalopathy, 53; Early-onset Parkinson disease 20. Last evaluated: 2025-12-17. Review status: criteria provided, single submitter. Criteria: Invitae Variant Classification Sherloc (09022015). Collection method: clinical testing. Allele origin: germline.

CeGaT Center for Human Genetics Tuebingen
Classification: Likely benign. Last evaluated: 2025-09-01. Review status: criteria provided, single submitter. Criteria: CeGaT Center For Human Genetics Tuebingen Variant Classification Criteria Version 2. Collection method: clinical testing. Allele origin: germline. Affected: yes. Observed: 2 variant alleles.
Comment: SYNJ1: BP4, BP7

Blueprint Genetics
Classification: Likely benign. Last evaluated: 2023-02-10. Review status: criteria provided, single submitter. Criteria: ACMG Guidelines, 2015. Collection method: clinical testing. Allele origin: germline.